The following is an entry in ClinVar:

ClinVar aggregate classification (germline): Likely benign (1 of 4 stars; one submission).

gnomAD v4.1: 240 of 1,611,050 alleles (0.015%); highest among the groups gnomAD compares: East Asian, 0.52%; no homozygotes.

Submission:

CeGaT Center for Human Genetics Tuebingen
Classification: Likely benign. Last evaluated: 2026-03-01. Review status: criteria provided, single submitter. Criteria: CeGaT Center For Human Genetics Tuebingen Variant Classification Criteria Version 2. Collection method: clinical testing. Allele origin: germline. Affected: yes. Observed: 1 variant allele.
Comment: NPTX1: BP4, BS1

NM_002522.4(NPTX1):c.1235C>A (p.Ser412Tyr)

Gene: NPTX1 (neuronal pentraxin 1; minus strand). Cytogenetic location: 17q25.3.
Variant type: single nucleotide variant.
Coding change: c.1235C>A on transcript NM_002522.4 (MANE Select); coding-DNA position 1235, C replaced by A.
Protein change: p.Ser412Tyr; replaces serine 412 with tyrosine.
Molecular consequence: missense variant.
Genome position (GRCh38, 1-based): chr17:80,470,877, G>T on the plus strand (C>A on the coding strand, the complement: NPTX1 is on the minus strand). VCF-style: chr17-80470877-G-T. GRCh37 (hg19) VCF-style: chr17-78444677-G-T.
Other names: short protein forms S412Y.
Identifiers: ClinVar variation 4822441 (VCV004822441.4).